The following is an entry in ClinVar:

ClinVar aggregate classification (germline): Uncertain significance (1 of 4 stars; one submission).

Conditions:
HTR2C-related disorder. Also called: HTR2C-related condition.

gnomAD v4.1: 6 of 1,209,024 alleles (0.0005%); highest among the groups gnomAD compares: Admixed American, 0.0066%; no homozygotes.

Submission:

PreventionGenetics, part of Exact Sciences
Classification: Uncertain significance for HTR2C-related condition. Last evaluated: 2025-04-11. Review status: criteria provided, single submitter. Criteria: ACMG Guidelines, 2015. Collection method: clinical testing. Allele origin: germline.
Comment: The HTR2C c.1297G>A variant is predicted to result in the amino acid substitution p.Gly433Ser. To our knowledge, this variant has not been reported in the literature or in a large population database, indicating this variant is rare. At this time, the clinical significance of this variant is uncertain due to the absence of conclusive functional and genetic evidence.

NM_000868.4(HTR2C):c.1297G>A (p.Gly433Ser)

Genes: HTR2C (5-hydroxytryptamine receptor 2C; plus strand), LOC126863306 (MED14-independent group 3 enhancer GRCh37_chrX:114140926-114142125; plus strand). Cytogenetic location: Xq23.
Variant type: single nucleotide variant.
Coding change: c.1297G>A on transcript NM_000868.4 (MANE Select); coding-DNA position 1297, G replaced by A.
Protein change: p.Gly433Ser; replaces glycine 433 with serine.
Molecular consequence: missense variant. On other transcripts: 3 prime UTR variant (1).
Genome position (GRCh38, 1-based): chrX:114,907,335, G>A. VCF-style: chrX-114907335-G-A. GRCh37 (hg19) VCF-style: chrX-114141898-G-A.
Other names: c.1297G>A, p.Gly433Ser (NM_001256760.3); c.*455G>A (NM_001256761.3); short protein forms G433S.
Identifiers: ClinVar variation 4993946 (VCV004993946.1).
Genomic context (GRCh38, chrX:114,907,335, plus strand): 5'-GTTAACATTTATCGGCATACCAATGAACCGGTGATCGAGAAAGCCAGTGACAATGAGCCC[G>A]GTATAGAGATGCAAGTTGAGAATTTAGAGTTACCAGTAAATCCCTCCAGTGTGGTTAGCG-3'
Protein context (NP_000859.2, residues 423-443): VIEKASDNEP[Gly433Ser]IEMQVENLEL